The following is an entry in ClinVar:

NC_000002.11:g.(?_113817016)_(113890448_?)del

Genes: IL36RN (interleukin 36 receptor antagonist; plus strand), IL1RN (interleukin 1 receptor antagonist; plus strand), IL1F10 (interleukin 1 family member 10; plus strand). Cytogenetic location: 2q13.
Variant type: Deletion.
Identifiers: ClinVar variation 1459348 (VCV001459348.6).

ClinVar aggregate classification (germline): Pathogenic. Review status: criteria provided, single submitter (1 of 4 stars). 2 submissions from 1 submitter: Pathogenic (2). Last evaluated 2024-01-22.

Conditions:
Generalized pustular psoriasis. Identifiers: Orphanet 247353, MedGen C0343055, MONDO:0100491.
Sterile multifocal osteomyelitis with periostitis and pustulosis. Also called: CHRONIC RECURRENT MULTIFOCAL OSTEOMYELITIS 2, WITH PERIOSTITIS AND PUSTULOSIS. Identifiers: Orphanet 210115, MedGen C2748507, MONDO:0013021, OMIM 612852.

Submissions (2):

Labcorp Genetics (formerly Invitae), Labcorp
Classification: Pathogenic for Sterile multifocal osteomyelitis with periostitis and pustulosis. Last evaluated: 2024-01-22. Review status: criteria provided, single submitter. Criteria: Invitae Variant Classification Sherloc (09022015). Collection method: clinical testing. Allele origin: germline.
Comment: A gross deletion of the genomic region encompassing the full coding sequence of the IL1RN gene has been identified. Loss-of-function variants in IL1RN are known to be pathogenic (PMID: 19494218, 21792839, 22940634, 26100510). The boundaries of this event are unknown as they extend beyond the assayed region for this gene and therefore may encompass additional genes. This variant has not been reported in the literature in individuals affected with IL1RN-related conditions. For these reasons, this variant has been classified as Pathogenic.

Labcorp Genetics (formerly Invitae), Labcorp
Classification: Pathogenic for Generalized pustular psoriasis. Last evaluated: 2022-10-24. Review status: criteria provided, single submitter. Criteria: Invitae Variant Classification Sherloc (09022015). Collection method: clinical testing. Allele origin: germline.
Comment: A gross deletion of the genomic region encompassing the full coding sequence of the IL36RN gene has been identified. Loss-of-function variants in IL36RN are known to be pathogenic (PMID: 23698098). The boundaries of this event are unknown as they extend beyond the assayed region for this gene and therefore may encompass additional genes. This variant has not been reported in the literature in individuals affected with IL36RN-related conditions. For these reasons, this variant has been classified as Pathogenic.

Literature cited by the submitters: PubMed 19494218; PubMed 21792839; PubMed 22940634; PubMed 26100510; PubMed 23698098.